The following is an entry in ClinVar:

NM_001875.5(CPS1):c.3G>T (p.Met1Ile)

Gene: CPS1 (carbamoyl-phosphate synthase 1; plus strand). Cytogenetic location: 2q34.
Variant type: single nucleotide variant.
Coding change: c.3G>T on transcript NM_001875.5 (MANE Select); coding-DNA position 3, G replaced by T.
Protein change: p.Met1Ile; changes the start codon (methionine 1).
Molecular consequence: missense variant, initiator codon variant. On other transcripts: non-coding transcript variant (1).
Genome position (GRCh38, 1-based): chr2:210,556,736, G>T. VCF-style: chr2-210556736-G-T. GRCh37 (hg19) VCF-style: chr2-211421460-G-T.
Other names: c.3G>T (LRG_336t1); c.3G>T, p.Met1Ile (NM_001122633.3, NM_001369257.1); c.36G>T, p.Met12Ile (NM_001369256.1); short protein forms M1I, M12I.
Identifiers: ClinVar variation 554067 (VCV000554067.6), dbSNP rs1553507155, ClinGen allele CA350432102.
Genomic context (GRCh38, chr2:210,556,736, plus strand): 5'-TCACACAATCTCATAAAATTTATGTAATTTCATTTAATTTTAGCCACAAATCATCAAAAT[G>T]ACGAGGATTTTGACAGCTTTCAAAGTGGTGAGGACACTGAAGACTGGTTTTGGCTTTACC-3'
Protein context (NP_001866.2, residues 1-11): [Met1Ile]TRILTAFKVV

ClinVar aggregate classification (germline): Likely pathogenic. Review status: criteria provided, multiple submitters, no conflicts (2 of 4 stars). 3 submissions from 3 submitters: Likely pathogenic (2). 1 of the submissions does not count toward it. Last evaluated 2024-10-14.

Conditions:
Congenital hyperammonemia, type I. Also called: Carbamoyl phosphate synthetase 1 deficiency; Hyperammonemia due to carbamoyl phosphate synthetase 1 deficiency; CPS 1 deficiency; Carbamyl phosphate synthetase (CPS) deficiency; Carbamoyl-phosphate synthase I deficiency; Carbamoyl phosphate synthetase I deficiency disease. Identifiers: Orphanet 147, MedGen C4082171, MONDO:0009376, OMIM 237300.

Submissions (3):

Natera, Inc.
Classification: Likely pathogenic for Carbamoyl-phosphate synthase I deficiency. Last evaluated: 2024-10-14. Review status: criteria provided, single submitter. Criteria: Natera Variant Classification Schema (03/2026). Collection method: clinical testing. Allele origin: germline.
Comment: The c.3G>T variant in CPS1 is predicted to result in start loss due to disruption of the initiator methionine. This variant is expected to result in nonsense mediated decay, truncation, or a dysfunctional protein product. This variant is rare in the general population with a frequency below the threshold expected for the associated phenotype(s). Given the available evidence, this variant is classified as Likely Pathogenic.

Genetic Services Laboratory, University of Chicago
Classification: Likely pathogenic. Last evaluated: 2024-09-06. Review status: criteria provided, single submitter. Criteria: ACMG Guidelines, 2015. Collection method: clinical testing. Allele origin: germline. Affected: yes.
Comment: DNA sequence analysis of the CPS1 gene demonstrated a sequence change, c.3G>T, in exon 1 that affects the translation start codon, p.? This sequence change does not appear to have been previously described in individuals with CPS1-related disorders and has not been described in the population databases such as ExAC and gnomAD. While this sequence change has not previously been described in the literature, other loss-of-function variants in the CPS1 gene have been described as pathogenic (PMID: 21120950). These collective evidences indicate that this sequence change is likely pathogenic, however functional studies have not been performed to prove this conclusively.

Counsyl
Classification: Likely pathogenic for Congenital hyperammonemia, type I. Last evaluated: 2017-09-26. Review status: no assertion criteria provided. Collection method: clinical testing. Allele origin: unknown. Not counted in ClinVar's aggregate classification.